The following is an entry in ClinVar:

NM_025145.7(CFAP43):c.4430G>A (p.Arg1477Gln)

Gene: CFAP43 (cilia and flagella associated protein 43; minus strand). Cytogenetic location: 10q25.1.
Variant type: single nucleotide variant.
Coding change: c.4430G>A on transcript NM_025145.7 (MANE Select); coding-DNA position 4430, G replaced by A.
Protein change: p.Arg1477Gln; replaces arginine 1477 with glutamine.
Molecular consequence: missense variant.
Genome position (GRCh38, 1-based): chr10:104,140,843, C>T on the plus strand (G>A on the coding strand, the complement: CFAP43 is on the minus strand). VCF-style: chr10-104140843-C-T. GRCh37 (hg19) VCF-style: chr10-105900601-C-T.
Other names: c.4430G>A (NM_025145.6); short protein forms R1477Q.
Identifiers: ClinVar variation 725604 (VCV000725604.8), dbSNP rs146971757, ClinGen allele CA5680019.

ClinVar aggregate classification (germline): Conflicting classifications of pathogenicity. Review status: criteria provided, conflicting classifications (1 of 4 stars). 5 submissions from 5 submitters: Uncertain significance (1); Likely benign (3). 1 of the submissions does not count toward it. Last evaluated 2025-07-31.

Conditions:
CFAP43-related disorder. Also called: CFAP43-related condition.

Allele frequency attached by ClinVar (database versions not stated): gnomAD exomes 0.00066; ExAC 0.00084; ESP Exome Variant Server 0.00192; 1000 Genomes Project 0.00200; gnomAD 0.00204 and 0.00223; 1000 Genomes Project 30x 0.00219; TOPMed 0.00224.
gnomAD v4.1: 609 of 1,590,196 alleles (0.038%); highest among the groups gnomAD compares: African/African-American, 0.67%; no homozygotes.

Submissions (5):

Ambry Genetics
Classification: Uncertain significance. Last evaluated: 2025-07-31. Review status: criteria provided, single submitter. Criteria: Ambry Variant Classification Scheme 2023. Collection method: clinical testing. Allele origin: germline.

Blueprint Genetics
Classification: Likely benign. Last evaluated: 2024-11-25. Review status: criteria provided, single submitter. Criteria: ACMG Guidelines, 2015. Collection method: clinical testing. Allele origin: germline.

Labcorp Genetics (formerly Invitae), Labcorp
Classification: Likely benign. Last evaluated: 2018-12-13. Review status: criteria provided, single submitter. Criteria: Invitae Variant Classification Sherloc (09022015). Collection method: clinical testing. Allele origin: germline.

Breakthrough Genomics
Classification: Likely benign. Review status: criteria provided, single submitter. Criteria: ACMG Guidelines, 2015. Collection method: not provided. Allele origin: germline. Inheritance: Autosomal recessive inheritance. Affected: yes.

PreventionGenetics, part of Exact Sciences
Classification: Benign for CFAP43-related condition. Last evaluated: 2019-11-21. Review status: no assertion criteria provided. Collection method: clinical testing. Allele origin: germline. Not counted in ClinVar's aggregate classification.
Comment: This variant is classified as benign based on ACMG/AMP sequence variant interpretation guidelines (Richards et al. 2015 PMID: 25741868, with internal and published modifications).